The following is an entry in ClinVar:

ClinVar aggregate classification (germline): Uncertain significance (1 of 4 stars; one submission).

Conditions:
Inborn genetic diseases. Identifiers: MedGen C0950123, MeSH D030342.

Submission:

Ambry Genetics
Classification: Uncertain significance for Inborn genetic diseases. Last evaluated: 2025-03-20. Review status: criteria provided, single submitter. Criteria: Ambry Variant Classification Scheme 2023. Collection method: clinical testing. Allele origin: germline.
Comment: The p.C789R variant (also known as c.2365T>C), located in coding exon 13 of the ASXL1 gene, results from a T to C substitution at nucleotide position 2365. The cysteine at codon 789 is replaced by arginine, an amino acid with highly dissimilar properties. This amino acid position is conserved. In addition, this alteration is predicted to be tolerated by in silico analysis. Based on the available evidence, the clinical significance of this variant remains unclear.

NM_015338.6(ASXL1):c.2365T>C (p.Cys789Arg)

Gene: ASXL1 (ASXL transcriptional regulator 1; plus strand). Cytogenetic location: 20q11.21.
Variant type: single nucleotide variant.
Coding change: c.2365T>C on transcript NM_015338.6 (MANE Select); coding-DNA position 2365, T replaced by C.
Protein change: p.Cys789Arg; replaces cysteine 789 with arginine.
Molecular consequence: missense variant.
Genome position (GRCh38, 1-based): chr20:32,435,077, T>C. VCF-style: chr20-32435077-T-C. GRCh37 (hg19) VCF-style: chr20-31022880-T-C.
Other names: c.2182T>C, p.Cys728Arg (NM_001363734.1); short protein forms C728R, C789R.
Identifiers: ClinVar variation 3955031 (VCV003955031.1).
Genomic context (GRCh38, chr20:32,435,077, plus strand): 5'-ACCTCAGTAGCTGAGAGATTAGTGGAGCAGCCTCAGTTGCATCCGGATGTTAGAACTGAA[T>C]GTGAGTCTGGCACCACTTCCTGGGAAAGTGATGATGAGGAGCAAGGACCCACCGTTCCTG-3'
Protein context (NP_056153.2, residues 779-799): PQLHPDVRTE[Cys789Arg]ESGTTSWESD